The following is an entry in ClinVar:

ClinVar aggregate classification (germline): Uncertain significance (1 of 4 stars; one submission).

Conditions:
Long QT syndrome (LQTS). Identifiers: MedGen C0023976, MeSH D008133, MONDO:0002442. Disease mechanism: loss of function. Inheritance: Various modes of inheritance.

Submission:

Labcorp Genetics (formerly Invitae), Labcorp
Classification: Uncertain significance for Long QT syndrome. Last evaluated: 2025-04-06. Review status: criteria provided, single submitter. Criteria: Invitae Variant Classification Sherloc (09022015). Collection method: clinical testing. Allele origin: germline.
Comment: This sequence change replaces arginine, which is basic and polar, with glycine, which is neutral and non-polar, at codon 1335 of the CACNA1C protein (p.Arg1335Gly). This variant is not present in population databases (gnomAD no frequency). This missense change has been observed in individual(s) with clinical features of CACNA1C-related conditions (internal data). ClinVar contains an entry for this variant (Variation ID: 3630162). Invitae Evidence Modeling of protein sequence and biophysical properties (such as structural, functional, and spatial information, amino acid conservation, physicochemical variation, residue mobility, and thermodynamic stability) indicates that this missense variant is expected to disrupt CACNA1C protein function with a positive predictive value of 95%. In summary, the available evidence is currently insufficient to determine the role of this variant in disease. Therefore, it has been classified as a Variant of Uncertain Significance.

NM_000719.7(CACNA1C):c.4003C>G (p.Arg1335Gly)

Gene: CACNA1C (calcium voltage-gated channel subunit alpha1 C; plus strand). Cytogenetic location: 12p13.33.
Variant type: single nucleotide variant.
Coding change: c.4003C>G on transcript NM_000719.7 (MANE Select); coding-DNA position 4003, C replaced by G.
Protein change: p.Arg1335Gly; replaces arginine 1335 with glycine.
Molecular consequence: missense variant.
Genome position (GRCh38, 1-based): chr12:2,651,697, C>G. VCF-style: chr12-2651697-C-G. GRCh37 (hg19) VCF-style: chr12-2760863-C-G.
Other names: c.4003C>G, p.Arg1335Gly (NM_001129834.2, NM_001129835.2, NM_001129840.2 and 7 more transcripts); c.4054C>G, p.Arg1352Gly (NM_001129836.2); c.3970C>G, p.Arg1324Gly (NM_001129837.2, NM_001129838.2, NM_001129846.2 and 1 more transcripts); c.3964C>G, p.Arg1322Gly (NM_001129839.2); c.4147C>G, p.Arg1383Gly (NM_001129827.2, NM_199460.4); c.4069C>G, p.Arg1357Gly (NM_001129829.2); c.4087C>G, p.Arg1363Gly (NM_001129831.2); c.4063C>G, p.Arg1355Gly (NM_001129832.2); and 1 more; short protein forms R1322G, R1332G, R1383G, R1335G, R1355G, R1352G, R1324G, R1357G.
Identifiers: ClinVar variation 3630162 (VCV003630162.2).